The following is an entry in ClinVar:

NM_000498.3(CYP11B2):c.1503G>C (p.Ala501=)

Genes: CYP11B2 (cytochrome P450 family 11 subfamily B member 2; minus strand), LOC106799834 (CYP11B2 recombination region; plus strand). Cytogenetic location: 8q24.3.
Variant type: single nucleotide variant.
Coding change: c.1503G>C on transcript NM_000498.3 (MANE Select); coding-DNA position 1503, G replaced by C.
Protein change: p.Ala501=; no amino-acid change (alanine 501 retained).
Molecular consequence: synonymous variant.
Genome position (GRCh38, 1-based): chr8:142,911,989, C>G on the plus strand (G>C on the coding strand, the complement: CYP11B2 is on the minus strand). VCF-style: chr8-142911989-C-G. GRCh37 (hg19) VCF-style: chr8-143993405-C-G.
Identifiers: ClinVar variation 3239593 (VCV003239593.19), dbSNP rs141179680.

ClinVar aggregate classification (germline): Likely benign (1 of 4 stars; one submission).

Submission:

CeGaT Center for Human Genetics Tuebingen
Classification: Likely benign. Last evaluated: 2024-05-01. Review status: criteria provided, single submitter. Criteria: CeGaT Center For Human Genetics Tuebingen Variant Classification Criteria Version 2. Collection method: clinical testing. Allele origin: germline. Affected: yes. Observed: 1 variant allele.
Comment: CYP11B2: PM2:Supporting, BP4, BP7